The following is an entry in ClinVar:

ClinVar aggregate classification (germline): Likely pathogenic (1 of 4 stars; one submission).

Conditions:
Global developmental delay (DD). Also called: Cognitive delay. Identifiers: MedGen C0557874, HP:0001263. Disease mechanism: loss of function.

Submission:

Medical Genetics Clinic, University of Catania
Classification: Likely pathogenic for Global developmental delay. Last evaluated: 2025-02-26. Review status: criteria provided, single submitter. Criteria: ACMG Guidelines, 2015. Collection method: clinical testing. Allele origin: de novo. Inheritance: Autosomal dominant inheritance. Affected: yes. Observed: 1 heterozygote.
Comment: The c.629C>G variant in the KLHL20 gene causes the substitution of a Proline at position 210 with an Arginine (p.Pro210Arg). This variant is not reported in GnomAD. In silico prediction tools suggest a detrimental effect on the structure/activity of the protein (MutationTaster: disease causing, Polyphen2: probably damaging). Missense variants with a likely gain-of-function or dominant-negative mechanism of the KLHL20 gene (MIM 617679) are associated with a syndrome featuring developmental disorders and intellectual disability, epilepsy, and autism spectrum disorder, inherited in an autosomal dominant manner (PMID: 36214804). In the light of the above, the c.629C>G variant in the KLHL20 gene has been classified as a Likely Pathogenic Variant (PM2, PM6, PP2, PP3).

Literature cited by the submitters: PubMed 36214804.

NM_014458.4(KLHL20):c.629C>G (p.Pro210Arg)

Gene: KLHL20 (kelch like family member 20; plus strand). Cytogenetic location: 1q25.1.
Variant type: single nucleotide variant.
Coding change: c.629C>G on transcript NM_014458.4 (MANE Select); coding-DNA position 629, C replaced by G.
Protein change: p.Pro210Arg; replaces proline 210 with arginine.
Molecular consequence: missense variant.
Genome position (GRCh38, 1-based): chr1:173,751,795, C>G. VCF-style: chr1-173751795-C-G. GRCh37 (hg19) VCF-style: chr1-173720934-C-G.
Other names: p.Pro210Arg; short protein forms P210R.
Identifiers: ClinVar variation 4076511 (VCV004076511.1).
Genomic context (GRCh38, chr1:173,751,795, plus strand): 5'-TTTTTTTCTTCTTACCTAACTTTGAACAGGTAATGGAGAGTGAAGAGTTCATGTTGCTTC[C>G]AGCCAATCAACTCATTGATATAATATCCAGTGATGAGCTAAACGTTCGCAGTGAAGAACA-3'
Protein context (NP_055273.2, residues 200-220): VMESEEFMLL[Pro210Arg]ANQLIDIISS